The following is an entry in ClinVar:

NM_022132.5(MCCC2):c.512-1G>A

Gene: MCCC2 (methylcrotonyl-CoA carboxylase subunit 2; plus strand). Cytogenetic location: 5q13.2.
Variant type: single nucleotide variant.
Coding change: c.512-1G>A on transcript NM_022132.5 (MANE Select); the canonical splice acceptor site of the intron before coding-DNA position 512, G replaced by A.
Molecular consequence: splice acceptor variant.
Genome position (GRCh38, 1-based): chr5:71,604,355, G>A. VCF-style: chr5-71604355-G-A. GRCh37 (hg19) VCF-style: chr5-70900182-G-A.
Other names: c.512-1G>A (NM_001363147.1).
Identifiers: ClinVar variation 938097 (VCV000938097.17), dbSNP rs1282502867, ClinGen allele CA360011479.
Genomic context (GRCh38, chr5:71,604,355, plus strand): 5'-TCCCTCTGCGTAGCACATTTAGTTCATAGAGATGCTTATGTTTCTCATTTCTTGTCTTCA[G>A]TTGATTCGGGAGGAGCATACTTACCTCGACAAGCAGATGTGTTTCCAGATCGAGACCACT-3'

ClinVar aggregate classification (germline): Pathogenic/Likely pathogenic. Review status: criteria provided, multiple submitters, no conflicts (2 of 4 stars). 3 submissions from 3 submitters: Pathogenic (2); Likely pathogenic (1). Last evaluated 2026-01-26.

Conditions:
3-methylcrotonyl-CoA carboxylase 2 deficiency. Also called: 3 alpha methylcrotonyl-CoA carboxylase 2 deficiency; 3 alpha methylcrotonylglycinuria 2; MCC 2 deficiency; Methylcrotonylglycinuria type 2; METHYLCROTONYLGLYCINURIA, TYPE II. Identifiers: Orphanet 6, MedGen C1859499, MONDO:0008862, OMIM 210210.

Allele frequency attached by ClinVar (database versions not stated): gnomAD exomes below 0.00001; TOPMed below 0.00001.
gnomAD v4.1: 1 of 1,613,590 alleles (0.000062%); highest among the groups gnomAD compares: Non-Finnish European, 0.000085%; no homozygotes.

Submissions (3):

Natera, Inc.
Classification: Pathogenic for 3-methylcrotonyl-CoA carboxylase 2 deficiency. Last evaluated: 2026-01-26. Review status: criteria provided, single submitter. Criteria: Natera Variant Classification Schema (03/2026). Collection method: clinical testing. Allele origin: germline.
Comment: The c.512-1G>A variant in MCCC2 is a canonical splice acceptor site variant predicted to affect pre-mRNA splicing, which may result in an abnormal transcript and altered protein product. This variant is expected to result in nonsense mediated decay, truncation, or a dysfunctional protein product. This variant is rare in the general population with a frequency below the threshold expected for the associated phenotype(s). This variant has been observed in one or more individuals affected with the associated recessive disease, as either homozygous or compound heterozygous with a second variant (PMID: 11181649). Given the available evidence, this variant is classified as Pathogenic.

Myriad Genetics, Inc.
Classification: Likely pathogenic for 3-methylcrotonyl-CoA carboxylase 2 deficiency. Last evaluated: 2025-12-02. Review status: criteria provided, single submitter. Criteria: Myriad Autosomal Dominant, Autosomal Recessive and X-Linked Classification Criteria (2023). Collection method: clinical testing. Allele origin: unknown.
Comment: NM_022132.4(MCCC2):c.512-1G>A is a variant in a canonical splice site classified as likely pathogenic in the context of 3-methylcrotonyl-CoA carboxylase deficiency, MCCC2-related. c.512-1G>A has been observed in a case with relevant disease (PMID: 11181649). Relevant functional assessments of this variant are not available in the literature. c.512-1G>A has not been observed in referenced population frequency databases. In summary, NM_022132.4(MCCC2):c.512-1G>A is a variant in a canonical splice site in a gene where loss of function is a known mechanism of disease, is predicted to disrupt protein function, and has been observed more frequently in cases with the relevant disease than in healthy populations. Please note: this variant was assessed in the context of healthy population screening.

Labcorp Genetics (formerly Invitae), Labcorp
Classification: Pathogenic for 3-methylcrotonyl-CoA carboxylase 2 deficiency. Last evaluated: 2024-04-26. Review status: criteria provided, single submitter. Criteria: Invitae Variant Classification Sherloc (09022015). Collection method: clinical testing. Allele origin: germline.
Comment: This sequence change affects an acceptor splice site in intron 5 of the MCCC2 gene. It is expected to disrupt RNA splicing. Variants that disrupt the donor or acceptor splice site typically lead to a loss of protein function (PMID: 16199547), and loss-of-function variants in MCCC2 are known to be pathogenic (PMID: 11181649, 22642865). This variant is not present in population databases (gnomAD no frequency). Disruption of this splice site has been observed in individual(s) with clinical features of 3-methylcrotonyl-CoA carboxylase deficiency (PMID: 11181649). This variant is also known as In5ac-1G→A. ClinVar contains an entry for this variant (Variation ID: 938097). Algorithms developed to predict the effect of sequence changes on RNA splicing suggest that this variant may disrupt the consensus splice site. For these reasons, this variant has been classified as Pathogenic.

Literature cited by the submitters: PubMed 11181649 (cited by 3 submitters); PubMed 16199547 (cited by Labcorp Genetics (formerly Invitae), Labcorp); PubMed 22642865 (cited by Labcorp Genetics (formerly Invitae), Labcorp).